The following is an entry in ClinVar:

NM_006059.4(LAMC3):c.3214del

Gene: LAMC3 (laminin subunit gamma 3; plus strand). Cytogenetic location: 9q34.12.
Variant type: Deletion.
Coding change: c.3214del on transcript NM_006059.4 (MANE Select); coding-DNA position 3214, one base deleted (G; older notation c.3214delG).
Molecular consequence: splice acceptor variant.
Genome position (GRCh38, 1-based): chr9:131,072,632, G deleted; the last of 4 consecutive G bases (chr9:131,072,629-131,072,632); deleting any one gives the same sequence. VCF-style (leftmost placement, unchanged base first): chr9-131072628-AG-A. GRCh37 (hg19) VCF-style: chr9-133948015-AG-A.
Identifiers: ClinVar variation 4854909 (VCV004854909.1).

ClinVar aggregate classification (germline): Pathogenic (1 of 4 stars; one submission).

Conditions:
Occipital pachygyria and polymicrogyria. Identifiers: Orphanet 280640, MedGen C3279875, MONDO:0013583, OMIM 614115.

Submission:

3billion
Classification: Pathogenic for Occipital pachygyria and polymicrogyria. Last evaluated: 2025-09-22. Review status: criteria provided, single submitter. Criteria: ACMG Guidelines, 2015. Collection method: clinical testing. Allele origin: germline. Affected: yes.
Comment: The variant is not observed in the gnomAD v4.1.0 dataset. Predicted Consequence/Location: Canonical splice site: predicted to alter splicing and result in a loss or disruption of normal protein function. Multiple pathogenic loss-of-function variants are reported downstream of the variant. In silico tools predict the variant to alter splicing and produce an abnormal transcript [SpliceAI: 0.99 (spliceogenicity >=0.2, non-spliceogenicity <0.1)]. Therefore, this variant is classified as Pathogenic according to the recommendation of ACMG/AMP guideline.